The following is an entry in ClinVar:

NM_000038.6(APC):c.6197G>A (p.Arg2066Lys)

Gene: APC (APC regulator of Wnt signaling pathway; plus strand). Cytogenetic location: 5q22.2.
Variant type: single nucleotide variant.
Coding change: c.6197G>A on transcript NM_000038.6 (MANE Select); coding-DNA position 6197, G replaced by A.
Protein change: p.Arg2066Lys; replaces arginine 2066 with lysine.
Molecular consequence: missense variant.
Genome position (GRCh38, 1-based): chr5:112,841,791, G>A. VCF-style: chr5-112841791-G-A. GRCh37 (hg19) VCF-style: chr5-112177488-G-A.
Other names: c.6197G>A, p.Arg2066Lys (NM_001127510.3, NM_001354895.2); c.6143G>A, p.Arg2048Lys (NM_001127511.3); c.6251G>A, p.Arg2084Lys (NM_001354896.2); c.6227G>A, p.Arg2076Lys (NM_001354897.2); c.6122G>A, p.Arg2041Lys (NM_001354898.2); c.6113G>A, p.Arg2038Lys (NM_001354899.2); c.6074G>A, p.Arg2025Lys (NM_001354900.2); c.6020G>A, p.Arg2007Lys (NM_001354901.2); and 5 more; short protein forms R1940K, R2038K, R2041K, R2048K, R1906K, R1965K, R2076K, R1783K.
Identifiers: ClinVar variation 958237 (VCV000958237.11), dbSNP rs1766159969, ClinGen allele CA16034903.

ClinVar aggregate classification (germline): Uncertain significance (1 of 4 stars; one submission).

Conditions:
Familial adenomatous polyposis 1 (FAP1). Also called: POLYPOSIS, ADENOMATOUS INTESTINAL; FAMILIAL ADENOMATOUS POLYPOSIS 1, ATTENUATED. Identifiers: MedGen C2713442, MONDO:0021056, OMIM 175100. Disease mechanism: loss of function.

Submission:

Labcorp Genetics (formerly Invitae), Labcorp
Classification: Uncertain significance for Familial adenomatous polyposis 1. Last evaluated: 2019-10-08. Review status: criteria provided, single submitter. Criteria: Invitae Variant Classification Sherloc (09022015). Collection method: clinical testing. Allele origin: germline.
Comment: Algorithms developed to predict the effect of missense changes on protein structure and function (SIFT, PolyPhen-2, Align-GVGD) all suggest that this variant is likely to be tolerated, but these predictions have not been confirmed by published functional studies and their clinical significance is uncertain. In summary, the available evidence is currently insufficient to determine the role of this variant in disease. Therefore, it has been classified as a Variant of Uncertain Significance. This variant has not been reported in the literature in individuals with APC-related conditions. This variant is not present in population databases (ExAC no frequency). This sequence change replaces arginine with lysine at codon 2066 of the APC protein (p.Arg2066Lys). The arginine residue is highly conserved and there is a small physicochemical difference between arginine and lysine.